The following is an entry in ClinVar:

NM_001013354.1(OR11H12):c.849A>G (p.Thr283=)

Gene: OR11H12 (olfactory receptor family 11 subfamily H member 12; plus strand). Cytogenetic location: 14q11.2.
Variant type: single nucleotide variant.
Coding change: c.849A>G on transcript NM_001013354.1 (MANE Select); coding-DNA position 849, A replaced by G.
Protein change: p.Thr283=; no amino-acid change (threonine 283 retained).
Molecular consequence: synonymous variant.
Genome position (GRCh38, 1-based): chr14:18,601,965, A>G. VCF-style: chr14-18601965-A-G. GRCh37 (hg19) VCF-style: chr14-19378442-A-G.
Identifiers: ClinVar variation 2644028 (VCV002644028.24), dbSNP rs200826172, ClinGen allele CA7071233.

ClinVar aggregate classification (germline): Likely benign (1 of 4 stars; one submission).

Allele frequency attached by ClinVar (database versions not stated): gnomAD 0.00350; ExAC 0.02941.

Submission:

CeGaT Center for Human Genetics Tuebingen
Classification: Likely benign. Last evaluated: 2022-09-01. Review status: criteria provided, single submitter. Criteria: CeGaT Center For Human Genetics Tuebingen Variant Classification Criteria Version 2. Collection method: clinical testing. Allele origin: germline. Affected: yes. Observed: 1 variant allele.
Comment: OR11H12: BP4, BP7